The following is an entry in ClinVar:

ClinVar aggregate classification (germline): Pathogenic (1 of 4 stars; one submission).

Conditions:
Bardet-Biedl syndrome (BBS). Identifiers: Orphanet 110, MedGen C0752166, MONDO:0015229.

Submission:

Labcorp Genetics (formerly Invitae), Labcorp
Classification: Pathogenic for Bardet-Biedl syndrome. Last evaluated: 2023-02-11. Review status: criteria provided, single submitter. Criteria: Invitae Variant Classification Sherloc (09022015). Collection method: clinical testing. Allele origin: germline.
Comment: This sequence change creates a premature translational stop signal (p.Cys270Leufs*3) in the BBS9 gene. It is expected to result in an absent or disrupted protein product. Loss-of-function variants in BBS9 are known to be pathogenic (PMID: 16380913, 20177705). This variant is present in population databases (no rsID available, gnomAD 0.0009%). This variant has not been reported in the literature in individuals affected with BBS9-related conditions. Algorithms developed to predict the effect of sequence changes on RNA splicing suggest that this variant may create or strengthen a splice site. For these reasons, this variant has been classified as Pathogenic.

Literature cited by the submitters: PubMed 16380913; PubMed 20177705.

NM_198428.3(BBS9):c.808dup (p.Cys270fs)

Gene: BBS9 (Bardet-Biedl syndrome 9; plus strand). Cytogenetic location: 7p14.3.
Variant type: Duplication.
Coding change: c.808dup on transcript NM_198428.3 (MANE Select); coding-DNA position 808, one base duplicated (T; older notation c.808dupT).
Protein change: p.Cys270fs; shifts the reading frame from cysteine 270.
Molecular consequence: frameshift variant. On other transcripts: non-coding transcript variant (3).
Genome position (GRCh38, 1-based): chr7:33,273,117, T duplicated; the last of 7 consecutive T bases (chr7:33,273,111-33,273,117); duplicating any one gives the same sequence. VCF-style (leftmost placement, unchanged base first): chr7-33273110-C-CT. GRCh37 (hg19) VCF-style: chr7-33312722-C-CT.
Other names: c.808dup, p.Cys270fs (NM_001033604.2, NM_001362679.1, NM_014451.4 and 5 more transcripts); c.442dup, p.Cys148fs (NM_001348045.3, NM_001348046.3, NM_001348044.3 and 1 more transcripts); c.808dup, p.Cys270Leufs (NM_001412127.2, NM_001412128.2); c.535dup, p.Cys179fs (NM_001348039.3, NM_001348038.3); c.673dup, p.Cys225fs (NM_001348042.3); short protein forms C225fs, C179fs, C270fs, C148fs.
Identifiers: ClinVar variation 2836480 (VCV002836480.3), dbSNP rs1288376188, ClinGen allele CA573736203.
Genomic context (GRCh38, chr7:33,273,110, plus strand): 5'-CATATGTATTGTCTCTTTCAATCAGTCGGCATCCTCTGTTTTTGTTCTTGGTGAGAGAAA[C>CT]TTTTTTTGCCTTAAGGATAATGGACAAATTCGATTCATGAAGAAGCTTGATTGGAGCCCA-3'